The following is an entry in ClinVar:

ClinVar aggregate classification (germline): Benign. Review status: criteria provided, multiple submitters, no conflicts (2 of 4 stars). 2 submissions from 2 submitters: Benign (2). Last evaluated 2018-01-13.

Conditions:
Posterior polymorphous corneal dystrophy. Also called: CORNEAL DYSTROPHY, HEREDITARY POLYMORPHOUS POSTERIOR; Polymorphous corneal dystrophy. Identifiers: Orphanet 98973, MedGen C0339284, MONDO:0020364, HP:0007915.

Allele frequency attached by ClinVar (database versions not stated): 1000 Genomes Project 0.02216; 1000 Genomes Project 30x 0.02420; gnomAD 0.03389 and 0.03452; TOPMed 0.03534; gnomAD exomes 0.03834.

Submissions (4):

Illumina Laboratory Services, Illumina
Classification: Benign for Polymorphous corneal dystrophy. Last evaluated: 2018-01-13. Review status: criteria provided, single submitter. Criteria: ICSL Variant Classification Criteria 13 December 2019. Collection method: clinical testing. Allele origin: germline.
Comment: This variant was observed in the ICSL laboratory as part of a predisposition screen in an ostensibly healthy population. It had not been previously curated by ICSL or reported in the Human Gene Mutation Database (HGMD: prior to June 1st, 2018), and was therefore a candidate for classification through an automated scoring system. Utilizing variant allele frequency, disease prevalence and penetrance estimates, and inheritance mode, an automated score was calculated to assess if this variant is too frequent to cause the disease. Based on the score and internal cut-off values, a variant classified as benign is not then subjected to further curation. The score for this variant resulted in a classification of benign for this disease.

Breakthrough Genomics
Classification: Benign. Review status: criteria provided, single submitter. Criteria: ACMG Guidelines, 2015. Collection method: not provided. Allele origin: germline. Inheritance: Autosomal dominant inheritance. Affected: yes.

Dr. Peter K. Rogan Lab, Western University
No classification provided (evidence only). Condition: Sarcoma. Review status: no classification provided. Collection method: in vitro. Allele origin: not applicable. Functional consequence: retained intron. Not counted in ClinVar's aggregate classification.

Dr. Peter K. Rogan Lab, Western University
No classification provided (evidence only). Condition: Thymoma. Review status: no classification provided. Collection method: in vitro. Allele origin: not applicable. Functional consequence: retained intron. Not counted in ClinVar's aggregate classification.

NM_014588.6(VSX1):c.*496A>G

Gene: VSX1 (visual system homeobox 1; minus strand). Cytogenetic location: 20p11.21.
Variant type: single nucleotide variant.
Coding change: c.*496A>G on transcript NM_014588.6 (MANE Select); 496 bases downstream of the stop codon, A replaced by G.
Molecular consequence: 3 prime UTR variant. On other transcripts: non-coding transcript variant (2), intron variant (2).
Genome position (GRCh38, 1-based): chr20:25,075,765, T>C on the plus strand (A>G on the coding strand, the complement: VSX1 is on the minus strand). VCF-style: chr20-25075765-T-C. GRCh37 (hg19) VCF-style: chr20-25056401-T-C.
Other names: NC_000020.10:g.25056401T>C; c.*496A>G (NM_001378633.1); c.627+3064A>G (NM_001256271.2); c.808+1920A>G (NM_001256272.2).
Identifiers: ClinVar variation 337948 (VCV000337948.7), dbSNP rs76499395, ClinGen allele CA10652417.